The following is an entry in ClinVar:

ClinVar aggregate classification (germline): Conflicting classifications of pathogenicity. Review status: criteria provided, conflicting classifications (1 of 4 stars). 3 submissions from 3 submitters: Uncertain significance (1); Likely benign (2). Last evaluated 2025-10-02.

Allele frequency attached by ClinVar (database versions not stated): gnomAD 0.00011 and 0.00010; gnomAD exomes 0.00011 and 0.00013; TOPMed 0.00013; ESP Exome Variant Server 0.00015; ExAC 0.00009.
gnomAD v4.1: 202 of 1,614,064 alleles (0.013%); highest among the groups gnomAD compares: Non-Finnish European, 0.016%; no homozygotes.

Submissions (3):

Labcorp Genetics (formerly Invitae), Labcorp
Classification: Likely benign. Last evaluated: 2025-10-02. Review status: criteria provided, single submitter. Criteria: Invitae Variant Classification Sherloc (09022015). Collection method: clinical testing. Allele origin: germline.

Ambry Genetics
Classification: Uncertain significance. Last evaluated: 2024-10-22. Review status: criteria provided, single submitter. Criteria: Ambry Variant Classification Scheme 2023. Collection method: clinical testing. Allele origin: germline.

CeGaT Center for Human Genetics Tuebingen
Classification: Likely benign. Last evaluated: 2024-06-01. Review status: criteria provided, single submitter. Criteria: CeGaT Center For Human Genetics Tuebingen Variant Classification Criteria Version 2. Collection method: clinical testing. Allele origin: germline. Affected: yes. Observed: 1 variant allele.
Comment: FAT2: BP4, BS2

NM_001447.3(FAT2):c.7558A>G (p.Ile2520Val)

Genes: FAT2 (FAT atypical cadherin 2; minus strand), SLC36A1 (solute carrier family 36 member 1; plus strand). Cytogenetic location: 5q33.1.
Variant type: single nucleotide variant.
Coding change: c.7558A>G on transcript NM_001447.3 (MANE Select); coding-DNA position 7558, A replaced by G.
Protein change: p.Ile2520Val; replaces isoleucine 2520 with valine.
Molecular consequence: missense variant.
Genome position (GRCh38, 1-based): chr5:151,543,569, T>C on the plus strand (A>G on the coding strand, the complement: FAT2 is on the minus strand). VCF-style: chr5-151543569-T-C. GRCh37 (hg19) VCF-style: chr5-150923130-T-C.
Other names: c.7558A>G (NM_001447.2); short protein forms I2520V.
Identifiers: ClinVar variation 1155308 (VCV001155308.29), dbSNP rs371832909, ClinGen allele CA3520938.